The following is an entry in ClinVar:

NM_000540.3(RYR1):c.7795C>T (p.Gln2599Ter)

Gene: RYR1 (ryanodine receptor 1; plus strand). Cytogenetic location: 19q13.2.
Variant type: single nucleotide variant.
Coding change: c.7795C>T on transcript NM_000540.3 (MANE Select); coding-DNA position 7795, C replaced by T.
Protein change: p.Gln2599Ter; replaces glutamine 2599 with a stop codon.
Molecular consequence: nonsense.
Genome position (GRCh38, 1-based): chr19:38,502,687, C>T. VCF-style: chr19-38502687-C-T. GRCh37 (hg19) VCF-style: chr19-38993327-C-T.
Other names: c.7795C>T, p.Gln2599Ter (NM_001042723.2); short protein forms Q2599*.
Identifiers: ClinVar variation 5005981 (VCV005005981.2).

ClinVar aggregate classification (germline): Likely pathogenic (1 of 4 stars; one submission).

Conditions:
Congenital multicore myopathy with external ophthalmoplegia (CMYO1B). Also called: MULTIMINICORE DISEASE WITH EXTERNAL OPHTHALMOPLEGIA; Minicore myopathy with external ophthalmoplegia; Congenital myopathy 1B, autosomal recessive; Minicore myopathy; MULTICORE MYOPATHY. Identifiers: Orphanet 598, Orphanet 98905, MedGen C1850674, MONDO:0009712, OMIM 255320, HP:0003789.
Central core myopathy (CMYO1A). Also called: CONGENITAL MYOPATHY 1A, AUTOSOMAL DOMINANT, WITH SUSCEPTIBILITY TO MALIGNANT HYPERTHERMIA; Central core disease; Myopathy, central fibrillar. Identifiers: Orphanet 597, MedGen C5830701, MONDO:0007294, OMIM 117000.
King Denborough syndrome (KDS). Identifiers: MedGen C1840365, MONDO:0020485, OMIM 619542.
Malignant hyperthermia, susceptibility to, 1 (MHS1). Also called: Malignant hyperthermia suceptibility 1; Anesthesia related hyperthermia; Malignant hyperpyrexia; Fulminating hyperpyrexia; Pharmacogenic myopathy; RYR1-Related Malignant Hyperthermia Susceptibility. Identifiers: Orphanet 423, MedGen C2930980, MONDO:0007783, OMIM 145600.

gnomAD v4.1: 1 of 1,608,264 alleles (0.000062%); highest among the groups gnomAD compares: Non-Finnish European, 0.000085%; no homozygotes.

Submission:

Juno Genomics, Hangzhou Juno Genomics, Inc
Classification: Likely pathogenic for Central core myopathy; Congenital multicore myopathy with external ophthalmoplegia; Malignant hyperthermia, susceptibility to, 1; King Denborough syndrome. Review status: criteria provided, single submitter. Criteria: ACMG Guidelines, 2015. Collection method: clinical testing. Allele origin: germline.
Comment: Null variant in a gene where loss of function (LOF) is a known mechanism of disease.;Absent from controls (or at extremely low frequency if recessive) in Genome Aggregation Database.